The following is an entry in ClinVar:

NM_020338.4(ZMIZ1):c.1073C>T (p.Ser358Leu)

Gene: ZMIZ1 (zinc finger MIZ-type containing 1; plus strand). Cytogenetic location: 10q22.3.
Variant type: single nucleotide variant.
Coding change: c.1073C>T on transcript NM_020338.4 (MANE Select); coding-DNA position 1073, C replaced by T.
Protein change: p.Ser358Leu; replaces serine 358 with leucine.
Molecular consequence: missense variant.
Genome position (GRCh38, 1-based): chr10:79,293,496, C>T. VCF-style: chr10-79293496-C-T. GRCh37 (hg19) VCF-style: chr10-81053253-C-T.
Other names: c.1073C>T (NM_020338.3); short protein forms S358L.
Identifiers: ClinVar variation 3662964 (VCV003662964.3).
Genomic context (GRCh38, chr10:79,293,496, plus strand): 5'-GGCCTGCCTCCATGGGGGGCAGCATGAACCCCGCGAGCATGGCGGCTGGCATGACGCCCT[C>T]GGGGATGAGCGGCCCTCCCATGGGCATGAACCAGCCCCGGCCGCCCGGCATCAGCCCCTT-3'
Protein context (NP_065071.1, residues 348-368): PASMAAGMTP[Ser358Leu]GMSGPPMGMN

ClinVar aggregate classification (germline): Uncertain significance. Review status: criteria provided, multiple submitters, no conflicts (2 of 4 stars). 2 submissions from 2 submitters: Uncertain significance (2). Last evaluated 2025-10-30.

Conditions:
Inborn genetic diseases. Identifiers: MedGen C0950123, MeSH D030342.

gnomAD v4.1: 6 of 1,589,922 alleles (0.00038%); highest among the groups gnomAD compares: Middle Eastern, 0.017%; no homozygotes.

Submissions (2):

Ambry Genetics
Classification: Uncertain significance for Inborn genetic diseases. Last evaluated: 2025-10-30. Review status: criteria provided, single submitter. Criteria: Ambry Variant Classification Scheme 2023. Collection method: clinical testing. Allele origin: germline.

Labcorp Genetics (formerly Invitae), Labcorp
Classification: Uncertain significance. Last evaluated: 2024-09-25. Review status: criteria provided, single submitter. Criteria: Invitae Variant Classification Sherloc (09022015). Collection method: clinical testing. Allele origin: germline.
Comment: This sequence change replaces serine, which is neutral and polar, with leucine, which is neutral and non-polar, at codon 358 of the ZMIZ1 protein (p.Ser358Leu). This variant is present in population databases (no rsID available, gnomAD 0.007%). This variant has not been reported in the literature in individuals affected with ZMIZ1-related conditions. Invitae Evidence Modeling of protein sequence and biophysical properties (such as structural, functional, and spatial information, amino acid conservation, physicochemical variation, residue mobility, and thermodynamic stability) indicates that this missense variant is not expected to disrupt ZMIZ1 protein function with a negative predictive value of 80%. In summary, the available evidence is currently insufficient to determine the role of this variant in disease. Therefore, it has been classified as a Variant of Uncertain Significance.